The following is an entry in ClinVar:

ClinVar aggregate classification (germline): Uncertain significance (1 of 4 stars; one submission).

Allele frequency attached by ClinVar (database versions not stated): gnomAD exomes below 0.00001.
gnomAD v4.1: 1 of 1,613,110 alleles (0.000062%); highest among the groups gnomAD compares: Non-Finnish European, 0.000085%; no homozygotes.

Submission:

Labcorp Genetics (formerly Invitae), Labcorp
Classification: Uncertain significance. Last evaluated: 2024-10-17. Review status: criteria provided, single submitter. Criteria: Invitae Variant Classification Sherloc (09022015). Collection method: clinical testing. Allele origin: germline.
Comment: This sequence change replaces threonine, which is neutral and polar, with asparagine, which is neutral and polar, at codon 951 of the SAMD9L protein (p.Thr951Asn). The frequency data for this variant in the population databases is considered unreliable, as metrics indicate poor data quality at this position in the gnomAD database. This variant has not been reported in the literature in individuals affected with SAMD9L-related conditions. ClinVar contains an entry for this variant (Variation ID: 1715191). An algorithm developed to predict the effect of missense changes on protein structure and function (PolyPhen-2) suggests that this variant is likely to be tolerated. In summary, the available evidence is currently insufficient to determine the role of this variant in disease. Therefore, it has been classified as a Variant of Uncertain Significance.

NM_152703.5(SAMD9L):c.2852C>A (p.Thr951Asn)

Gene: SAMD9L (sterile alpha motif domain containing 9 like; minus strand). Cytogenetic location: 7q21.2.
Variant type: single nucleotide variant.
Coding change: c.2852C>A on transcript NM_152703.5 (MANE Select); coding-DNA position 2852, C replaced by A.
Protein change: p.Thr951Asn; replaces threonine 951 with asparagine.
Molecular consequence: missense variant.
Genome position (GRCh38, 1-based): chr7:93,133,120, G>T on the plus strand (C>A on the coding strand, the complement: SAMD9L is on the minus strand). VCF-style: chr7-93133120-G-T. GRCh37 (hg19) VCF-style: chr7-92762433-G-T.
Other names: c.2852C>A, p.Thr951Asn (NM_001303496.3, NM_001303497.3, NM_001303498.3 and 5 more transcripts); short protein forms T951N.
Identifiers: ClinVar variation 1715191 (VCV001715191.5), dbSNP rs536966231, ClinGen allele CA368186256.